The following is an entry in ClinVar:

NM_001010892.3(RSPH4A):c.1814C>A (p.Pro605His)

Gene: RSPH4A (radial spoke head component 4A; plus strand). Cytogenetic location: 6q22.1.
Variant type: single nucleotide variant.
Coding change: c.1814C>A on transcript NM_001010892.3 (MANE Select); coding-DNA position 1814, C replaced by A.
Protein change: p.Pro605His; replaces proline 605 with histidine.
Molecular consequence: missense variant.
Genome position (GRCh38, 1-based): chr6:116,630,450, C>A. VCF-style: chr6-116630450-C-A. GRCh37 (hg19) VCF-style: chr6-116951613-C-A.
Other names: c.1678C>A, p.Pro560Thr (NM_001161664.2); short protein forms P605H, P560T.
Identifiers: ClinVar variation 409229 (VCV000409229.8), dbSNP rs775186734, ClinGen allele CA3971049.

ClinVar aggregate classification (germline): Uncertain significance (1 of 4 stars; one submission).

Conditions:
Primary ciliary dyskinesia. Also called: Ciliary dyskinesia. Identifiers: Orphanet 244, MedGen C0008780, MONDO:0016575, HP:0012265.

Allele frequency attached by ClinVar (database versions not stated): ExAC 0.00002; TOPMed 0.00002; gnomAD exomes 0.00003; gnomAD 0.00004 and 0.00005.

Submission:

Labcorp Genetics (formerly Invitae), Labcorp
Classification: Uncertain significance for Primary ciliary dyskinesia. Last evaluated: 2024-08-05. Review status: criteria provided, single submitter. Criteria: Invitae Variant Classification Sherloc (09022015). Collection method: clinical testing. Allele origin: germline.
Comment: This sequence change replaces proline, which is neutral and non-polar, with histidine, which is basic and polar, at codon 605 of the RSPH4A protein (p.Pro605His). This variant is present in population databases (rs775186734, gnomAD 0.009%). This variant has not been reported in the literature in individuals affected with RSPH4A-related conditions. ClinVar contains an entry for this variant (Variation ID: 409229). Advanced modeling of protein sequence and biophysical properties (such as structural, functional, and spatial information, amino acid conservation, physicochemical variation, residue mobility, and thermodynamic stability) performed at Invitae indicates that this missense variant is not expected to disrupt RSPH4A protein function with a negative predictive value of 80%. In summary, the available evidence is currently insufficient to determine the role of this variant in disease. Therefore, it has been classified as a Variant of Uncertain Significance.